The following is an entry in ClinVar:

ClinVar aggregate classification (germline): Conflicting classifications of pathogenicity. Review status: criteria provided, conflicting classifications (1 of 4 stars). 2 submissions from 2 submitters: Pathogenic (1); Uncertain significance (1). Last evaluated 2025-07-07.

Conditions:
3-Oxo-5 alpha-steroid delta 4-dehydrogenase deficiency (PPSH). Also called: PSEUDOVAGINAL PERINEOSCROTAL HYPOSPADIAS; FAMILIAL INCOMPLETE MALE PSEUDOHERMAPHRODITISM, TYPE 2; MALE PSEUDOHERMAPHRODITISM DUE TO 5-ALPHA-REDUCTASE DEFICIENCY; 46,XY disorder of sex development due to 5-alpha-reductase 2 deficiency. Identifiers: Orphanet 753, MedGen C0268297, MONDO:0009923, OMIM 264600. Disease mechanism: loss of function.

Allele frequency attached by ClinVar (database versions not stated): gnomAD 0.00001; TOPMed 0.00001; gnomAD exomes 0.00002.
gnomAD v4.1: 31 of 1,608,976 alleles (0.0019%); highest among the groups gnomAD compares: Middle Eastern, 0.017%; no homozygotes.

Submissions (2):

Women's Health and Genetics/Laboratory Corporation of America, LabCorp
Classification: Uncertain significance. Last evaluated: 2025-07-07. Review status: criteria provided, single submitter. Criteria: LabCorp Variant Classification Summary - May 2015. Collection method: clinical testing. Allele origin: germline.
Comment: Variant summary: SRD5A2 c.167A>G (p.Glu56Gly) results in a non-conservative amino acid change in the encoded protein sequence. Algorithms developed to predict the effect of missense changes on protein structure and function are either unavailable or do not agree on the potential impact of this missense change. The variant was absent in 238940 control chromosomes. The available data on variant occurrences in the general population are insufficient to allow any conclusion about variant significance. An alternative nomenclature, c.170A>G, has been observed in individual(s) affected with disorders of sexual development (Lin_2022), however details were not provided to rule out a distinct variation. These report(s) do not provide unequivocal conclusions about association of the variant with 3-Oxo-5 alpha-steroid delta 4-dehydrogenase deficiency. To our knowledge, no experimental evidence demonstrating an impact on protein function has been reported. No submitters have cited clinical-significance assessments for this variant to ClinVar. Based on the evidence outlined above, the variant was classified as uncertain significance.

Labcorp Genetics (formerly Invitae), Labcorp
Classification: Pathogenic for 3-Oxo-5 alpha-steroid delta 4-dehydrogenase deficiency. Last evaluated: 2023-09-05. Review status: criteria provided, single submitter. Criteria: Invitae Variant Classification Sherloc (09022015). Collection method: clinical testing. Allele origin: germline.
Comment: For these reasons, this variant has been classified as Pathogenic. Advanced modeling of protein sequence and biophysical properties (such as structural, functional, and spatial information, amino acid conservation, physicochemical variation, residue mobility, and thermodynamic stability) performed at Invitae indicates that this missense variant is expected to disrupt SRD5A2 protein function. This missense change has been observed in individual(s) with steroid-5 alpha-reductase deficiency (PMID: 4028464, 20850730, 21147889). This variant is present in population databases (no rsID available, gnomAD 0.0009%). This sequence change replaces glutamine, which is neutral and polar, with arginine, which is basic and polar, at codon 56 of the SRD5A2 protein (p.Gln56Arg).

Literature cited by the submitters: PubMed 35488637 (cited by Women's Health and Genetics/Laboratory Corporation of America, LabCorp); PubMed 4028464 (cited by Labcorp Genetics (formerly Invitae), Labcorp); PubMed 20850730 (cited by Labcorp Genetics (formerly Invitae), Labcorp); PubMed 21147889 (cited by Labcorp Genetics (formerly Invitae), Labcorp).

NM_000348.4(SRD5A2):c.167A>G (p.Gln56Arg)

Gene: SRD5A2 (steroid 5 alpha-reductase 2; minus strand). Cytogenetic location: 2p23.1.
Variant type: single nucleotide variant.
Coding change: c.167A>G on transcript NM_000348.4 (MANE Select); coding-DNA position 167, A replaced by G.
Protein change: p.Gln56Arg; replaces glutamine 56 with arginine.
Molecular consequence: missense variant.
Genome position (GRCh38, 1-based): chr2:31,580,734, T>C on the plus strand (A>G on the coding strand, the complement: SRD5A2 is on the minus strand). VCF-style: chr2-31580734-T-C. GRCh37 (hg19) VCF-style: chr2-31805804-T-C.
Other names: short protein forms Q56R.
Identifiers: ClinVar variation 2734144 (VCV002734144.6), dbSNP rs1357268588, ClinGen allele CA346598980.
Genomic context (GRCh38, chr2:31,580,734, plus strand): 5'-AAGAGGGAGAGGGGCTGCCGGGCGAGGATCCCCGCGGGCACCGCGAAGGAAGGCAGCTCC[T>C]GCAGGAACCAGGCGGCGCGGGCTGGCAGGCGGGTAGCCGCCGGCTTCAGGCTCTCCGTGT-3'
Protein context (NP_000339.2, residues 46-66): RLPARAAWFL[Gln56Arg]ELPSFAVPAG